The following is an entry in ClinVar:

ClinVar aggregate classification (germline): Uncertain significance. Review status: reviewed by expert panel (3 of 4 stars). 8 submissions from 8 submitters: Uncertain significance (1). 7 of the submissions do not count toward it. Last evaluated 2025-11-11.

Conditions:
MYH7-related skeletal myopathy. Also called: MYOPATHY, DISTAL, EARLY-ONSET, AUTOSOMAL DOMINANT; MYOPATHY, LATE DISTAL HEREDITARY; Laing distal myopathy; Laing early-onset distal myopathy; Myopathy, distal, 1. Identifiers: Orphanet 59135, MedGen C4552004, MONDO:0008050, OMIM 160500.
Myosin storage myopathy (CMYO7A). Also called: MYOPATHY, HYALINE BODY, AUTOSOMAL DOMINANT; Scapuloperoneal myopathy, MYH7-related; MYOPATHY WITH LYSIS OF TYPE I MYOFIBRILS; SCAPULOPERONEAL MUSCULAR DYSTROPHY; SCAPULOPERONEAL SYNDROME, MYOPATHIC TYPE; MYH7-related late-onset scapuloperoneal muscular dystrophy. Identifiers: Orphanet 437572, Orphanet 636965, MedGen C1842160, MONDO:0008409, OMIM 608358.
Hypertrophic cardiomyopathy 1 (CMH1). Also called: Familial hypertrophic cardiomyopathy 1; MYH7-Related Familial Hypertrophic Cardiomyopathy. Identifiers: MedGen C3495498, MONDO:0008647, OMIM 192600.
Myopathy, myosin storage, autosomal recessive (CMYO7B). Also called: CONGENITAL MYOPATHY 7B, MYOSIN STORAGE, AUTOSOMAL RECESSIVE. Identifiers: Orphanet 636970, MedGen C1850709, MONDO:0009708, OMIM 255160.
Congenital myopathy with fiber type disproportion. Also called: Congenital fiber-type disproportion myopathy; Congenital fiber-type disproportion. Identifiers: Orphanet 2020, MedGen C0546264, MONDO:0009711. Inheritance: all.
Dilated cardiomyopathy 1S (CMD1S). Identifiers: Orphanet 154, Orphanet 54260, MedGen C1834481, MONDO:0013262, OMIM 613426.
MYH7-related disorder. Also called: MYH7-related condition; MYH7-related disease; MYH7-related disorders.
Cardiovascular phenotype. Identifiers: MedGen CN230736.
Cardiomyopathy (CMYO). Also called: Cardiomyopathies. Identifiers: Orphanet 167848, MedGen C0878544, MONDO:0004994, HP:0001638. Inheritance: Various modes of inheritance.
Primary dilated cardiomyopathy (DCM). Also called: Dilated Cardiomyopathy. Identifiers: Orphanet 217604, MedGen C0007193, MeSH D002311, MONDO:0005021, HP:0001644. Inheritance: Various modes of inheritance.
Hypertrophic cardiomyopathy. Also called: HYPERTROPHIC MYOCARDIOPATHY. Identifiers: Orphanet 217569, MedGen C0007194, MeSH D002312, MONDO:0005045, HP:0001639.

Allele frequency attached by ClinVar (database versions not stated): gnomAD 0.00001; TOPMed 0.00001.
gnomAD v4.1: 14 of 1,614,062 alleles (0.00087%); highest among the groups gnomAD compares: Admixed American, 0.0033%; no homozygotes.

Submissions (8):

ClinGen Cardiomyopathy Variant Curation Expert Panel
Classification: Uncertain significance for Primary dilated cardiomyopathy. Last evaluated: 2025-11-11. Review status: reviewed by expert panel. Criteria: ClinGen CMP ACMG Specifications MYH7 V2.0.0. Collection method: curation. Allele origin: germline. Inheritance: Autosomal dominant inheritance.
Comment: This nonsense variant was inherited from their unaffected father and the p.Arg143Trp variant was inherited from their unaffected mother (Hershkovitz 2019 PMID:30588760; Partners LMM ClinVar SCV000059574.5). PS4_Supporting was not applied due to the variability in proband phenotypes and occurrence of additional variants. This variant has been identified in 0.0003% (FAF 95% CI, 2/113694) of European chromosomes in gnomAD v2.1.1 (PM2). This nonsense variant leads to a premature termination codon at position 1530 leading to a truncated or absent protein. The contribution of LOF variants in MYH7 to autosomal dominant inherited cardiomyopathy is incompletely understood. In summary, due to insufficient evidence, this variant is classified as uncertain significance for cardiomyopathy in an autosomal dominant manner. MYH7-specific ACMG/AMP criteria applied (Kelly 2018 PMID:29300372): PM2.

Labcorp Genetics (formerly Invitae), Labcorp
Classification: Uncertain significance for Hypertrophic cardiomyopathy. Last evaluated: 2026-01-27. Review status: criteria provided, single submitter. Criteria: Invitae Variant Classification Sherloc (09022015). Collection method: clinical testing. Allele origin: germline. Not counted in ClinVar's aggregate classification.
Comment: This sequence change creates a premature translational stop signal (p.Arg1530*) in the MYH7 gene. It is expected to result in an absent or disrupted protein product. However, the current clinical and genetic evidence is not sufficient to establish whether loss-of-function variants in MYH7 cause disease. This variant is present in population databases (rs397516225, gnomAD 0.007%). This premature translational stop signal has been observed in individual(s) with clinical features of MYH7-related conditions (PMID: 30471092, 30588760, 33500567, 38551768). ClinVar contains an entry for this variant (Variation ID: 43029). In summary, the available evidence is currently insufficient to determine the role of this variant in disease. Therefore, it has been classified as a Variant of Uncertain Significance.

Ambry Genetics
Classification: Uncertain significance for Cardiovascular phenotype. Last evaluated: 2024-12-03. Review status: criteria provided, single submitter. Criteria: Ambry Variant Classification Scheme 2023. Collection method: clinical testing. Allele origin: germline. Not counted in ClinVar's aggregate classification.
Comment: The p.R1530* variant (also known as c.4588C>T) located in coding exon 31 of the MYH7 gene results from a C to T substitution at nucleotide position 4588. This changes the amino acid from an arginine to a stop codon within coding exon 31. This variant co-occurred in trans with an MYH7 missense variant in two sibling with pediatric-onset severe dilated cardiomyopathy whose parents each carried one variant and were unaffected while a third child with only p.R1530* was also unaffected at the time of study (Hershkovitz T et al. Am J Med Genet A. 2019 Mar;179(3):365-372). This variant has been detected in individuals from left ventricular noncompaction cohorts (Richard P et al. Clin Genet. 2019 Mar;95(3):356-367; Mazzarotto F. Genet Med. 2021 May;23(5):856-864). This alteration is expected to result in loss of function by premature protein truncation or nonsense-mediated mRNA decay. However, loss of function of MYH7 has not been clearly established as a mechanism of disease. Based on the available evidence, the clinical significance of this variant remains unclear.

Color Diagnostics, LLC DBA Color Health
Classification: Uncertain significance for Cardiomyopathy. Last evaluated: 2023-04-07. Review status: criteria provided, single submitter. Criteria: ACMG Guidelines, 2015. Collection method: clinical testing. Allele origin: germline. Not counted in ClinVar's aggregate classification.
Comment: This variant changes 1 nucleotide in exon 33 of the MYH7 gene, creating a premature translation stop signal. This variant is expected to result in an absent or non-functional protein product. This variant has been reported in an individual affected with childhood-onset dilated cardiomyopathy, who also carried a pathogenic p.Arg143Trp variant in the same gene that could explain the observed phenotype (PMID: 30588760). This variant has also been reported in two individuals affected with left ventricular noncompaction (PMID: 30471092, 33500567). This variant has been identified in 4/251416 chromosomes in the general population by the Genome Aggregation Database (gnomAD). Clinical relevance of loss-of-function MYH7 truncation variants in autosomal dominant cardiovascular disorders is not clearly established. The available evidence is insufficient to determine the role of this variant in disease conclusively. Therefore, this variant is classified as a Variant of Uncertain Significance.

Fulgent Genetics
Classification: Uncertain significance for MYH7-related skeletal myopathy; Myosin storage myopathy; Hypertrophic cardiomyopathy 1; Myopathy, myosin storage, autosomal recessive; Congenital myopathy 4A, autosomal dominant; Dilated cardiomyopathy 1S. Last evaluated: 2022-01-06. Review status: criteria provided, single submitter. Criteria: ACMG Guidelines, 2015. Collection method: clinical testing. Allele origin: unknown. Not counted in ClinVar's aggregate classification.

Genomic Research Center, Shahid Beheshti University of Medical Sciences
Classification: Pathogenic for MYH7-Related Disorders. Last evaluated: 2019-01-01. Review status: criteria provided, single submitter. Criteria: ACMG Guidelines, 2015. Collection method: research. Allele origin: unknown. Affected: no. Observed: 1 variant allele. Not counted in ClinVar's aggregate classification.

Laboratory for Molecular Medicine, Mass General Brigham Personalized Medicine
Classification: Likely pathogenic for Cardiomyopathy. Last evaluated: 2018-04-20. Review status: criteria provided, single submitter. Criteria: LMM Criteria. Collection method: clinical testing. Allele origin: germline. Observed: 4 variant alleles. Not counted in ClinVar's aggregate classification.
Comment: The p.Arg1530X variant in MYH7 has been identified by our laboratory in trans wi th a likely pathogenic MYH7 missense variant in 2 Caucasian individuals with chi ldhood-onset DCM from 1 family. This variant has also been identified in 4/24619 0 chromosomes by the Genome Aggregation Database (gnomAD; rs397516255). This nonsense variant leads to a premature termination codon at position 1530, which is predicted to lead to a truncated or absent pro tein. It should be noted that LOF variants in the MYH7 gene are very rare and th eir phenotypic consequences are not yet well-defined. Although heterozygous loss -of-function (LOF) variants in MYH7, such as this variant, are not believed to b e pathogenic for dominant forms of cardiomyopathy (this variant was classified a s a variant of uncertain significance in the context of autosomal dominant cardi omyopathy by the ClinGen-approved Inherited Cardiomyopathy expert panel (ClinVar SCV000564453.2), there is evidence that can they lead to severe and early onset disease when present in trans with a second MYH7 variant (LMM data). In summary , although additional studies are required to fully establish its clinical signi ficance, the p.Arg1530X variant is likely pathogenic for cardiomyopathy in an au tosomal recessive manner. ACMG/AMP Criteria applied: PVS1_Moderate; PM2; PM3.

Stanford Center for Inherited Cardiovascular Disease, Stanford University
Classification: Uncertain significance. Last evaluated: 2015-04-08. Review status: criteria provided, single submitter. Criteria: ACMG Guidelines, 2015. Collection method: provider interpretation. Allele origin: germline. Not counted in ClinVar's aggregate classification.

Literature cited by the submitters: PubMed 29300372 (cited by ClinGen Cardiomyopathy Variant Curation Expert Panel and Ambry Genetics); PubMed 30471092 (cited by 3 submitters); PubMed 30588760 (cited by 3 submitters); PubMed 33500567 (cited by 3 submitters); PubMed 38551768 (cited by Labcorp Genetics (formerly Invitae), Labcorp); PubMed 34542152 (cited by Ambry Genetics); PubMed 36129056 (cited by Ambry Genetics); PubMed 28152038 (cited by Laboratory for Molecular Medicine, Mass General Brigham Personalized Medicine).

NM_000257.4(MYH7):c.4588C>T (p.Arg1530Ter)

Genes: MHRT (myosin heavy chain associated RNA transcript; plus strand), MYH7 (myosin heavy chain 7; minus strand). Cytogenetic location: 14q11.2.
Variant type: single nucleotide variant.
Coding change: c.4588C>T on transcript NM_000257.4 (MANE Select); coding-DNA position 4588, C replaced by T.
Protein change: p.Arg1530Ter; replaces arginine 1530 with a stop codon.
Molecular consequence: nonsense. On other transcripts: non-coding transcript variant (1).
Genome position (GRCh38, 1-based): chr14:23,416,924, G>A on the plus strand (C>T on the coding strand, the complement: MYH7 is on the minus strand). VCF-style: chr14-23416924-G-A. GRCh37 (hg19) VCF-style: chr14-23886133-G-A.
Other names: NM_000257.3(MYH7):c.4588C>T; p.(Arg1530Ter); short protein forms R1530*.
Identifiers: ClinVar variation 43029 (VCV000043029.29), dbSNP rs397516225, ClinGen allele CA015132.